The following is an entry in ClinVar:

NM_015046.7(SETX):c.1040A>G (p.Asp347Gly)

Gene: SETX (senataxin; minus strand). Cytogenetic location: 9q34.13.
Variant type: single nucleotide variant.
Coding change: c.1040A>G on transcript NM_015046.7 (MANE Select); coding-DNA position 1040, A replaced by G.
Protein change: p.Asp347Gly; replaces aspartic acid 347 with glycine.
Molecular consequence: missense variant.
Genome position (GRCh38, 1-based): chr9:132,331,110, T>C on the plus strand (A>G on the coding strand, the complement: SETX is on the minus strand). VCF-style: chr9-132331110-T-C. GRCh37 (hg19) VCF-style: chr9-135206497-T-C.
Other names: c.1040A>G, p.Asp347Gly (NM_001351527.2, NM_001351528.2); short protein forms D347G.
Identifiers: ClinVar variation 3761515 (VCV003761515.2).
Genomic context (GRCh38, chr9:132,331,110, plus strand): 5'-ACCTTTTTGGTCTTTTCAGGATTATAATTGTATACGATCTGGCTGCAAGTCACCATATCA[T>C]CCAAATAGGACTCCGGTTCTAACTTGGTCCTTAAATATTAAGAATAAATAGAAATTACTG-3'
Protein context (NP_055861.3, residues 337-357): RTKLEPESYL[Asp347Gly]DMVTCSQIVY

ClinVar aggregate classification (germline): Uncertain significance (1 of 4 stars; one submission).

Conditions:
Spinocerebellar ataxia, autosomal recessive, with axonal neuropathy 2 (SCAN2). Also called: Ataxia-ocular apraxia-2; ATAXIA-OCULOMOTOR APRAXIA 2; Ataxia with Oculomotor Apraxia; Ataxia with Oculomotor Apraxia Type 2. Identifiers: Orphanet 64753, MedGen C1853761, MONDO:0018996, OMIM 606002.
Amyotrophic lateral sclerosis type 4 (ALS4). Also called: AMYOTROPHIC LATERAL SCLEROSIS 4, JUVENILE; NEURONOPATHY, DISTAL HEREDITARY MOTOR, WITH PYRAMIDAL FEATURES. Identifiers: Orphanet 357043, MedGen C1865409, MONDO:0011223, OMIM 602433.

Submission:

Labcorp Genetics (formerly Invitae), Labcorp
Classification: Uncertain significance for Amyotrophic lateral sclerosis type 4; Spinocerebellar ataxia, autosomal recessive, with axonal neuropathy 2. Last evaluated: 2024-11-27. Review status: criteria provided, single submitter. Criteria: Invitae Variant Classification Sherloc (09022015). Collection method: clinical testing. Allele origin: germline.
Comment: This sequence change replaces aspartic acid, which is acidic and polar, with glycine, which is neutral and non-polar, at codon 347 of the SETX protein (p.Asp347Gly). This variant is not present in population databases (gnomAD no frequency). This variant has not been reported in the literature in individuals affected with SETX-related conditions. Invitae Evidence Modeling of protein sequence and biophysical properties (such as structural, functional, and spatial information, amino acid conservation, physicochemical variation, residue mobility, and thermodynamic stability) indicates that this missense variant is not expected to disrupt SETX protein function with a negative predictive value of 95%. In summary, the available evidence is currently insufficient to determine the role of this variant in disease. Therefore, it has been classified as a Variant of Uncertain Significance.